The following is an entry in ClinVar:

ClinVar aggregate classification (germline): Uncertain significance (1 of 4 stars; one submission).

Conditions:
Congenital contractural arachnodactyly (CCA). Also called: Beals-Hecht syndrome; BEALS SYNDROME; Arthrogryposis, distal, type 9. Identifiers: Orphanet 115, MedGen C0220668, MONDO:0007363, OMIM 121050.

Submission:

Labcorp Genetics (formerly Invitae), Labcorp
Classification: Uncertain significance for Congenital contractural arachnodactyly. Last evaluated: 2019-05-04. Review status: criteria provided, single submitter. Criteria: Invitae Variant Classification Sherloc (09022015). Collection method: clinical testing. Allele origin: germline.
Comment: In summary, this is a novel intronic change with uncertain impact on splicing. It has been classified as a Variant of Uncertain Significance. Algorithms developed to predict the effect of sequence changes on RNA splicing suggest that this variant may alter RNA splicing, but this prediction has not been confirmed by published transcriptional studies. This variant is not present in population databases (ExAC no frequency) and has not been reported in the literature in individuals with a FBN2-related disease. This sequence change falls in intron 24 of the FBN2 gene. It does not directly change the encoded amino acid sequence of the FBN2 protein.

NM_001999.4(FBN2):c.3218-5T>G

Gene: FBN2 (fibrillin 2; minus strand). Cytogenetic location: 5q23.3.
Variant type: single nucleotide variant.
Coding change: c.3218-5T>G on transcript NM_001999.4 (MANE Select); 5 bases into the intron before coding-DNA position 3218, T replaced by G.
Molecular consequence: intron variant.
Genome position (GRCh38, 1-based): chr5:128,344,515, A>C on the plus strand (T>G on the coding strand, the complement: FBN2 is on the minus strand). VCF-style: chr5-128344515-A-C. GRCh37 (hg19) VCF-style: chr5-127680207-A-C.
Identifiers: ClinVar variation 458753 (VCV000458753.11), dbSNP rs1554123647, ClinGen allele CA658657485.